The following is an entry in ClinVar:

ClinVar aggregate classification (germline): Uncertain significance (1 of 4 stars; one submission).

gnomAD v4.1: 2 of 1,614,094 alleles (0.00012%); highest among the groups gnomAD compares: Admixed American, 0.0033%; no homozygotes.

Submission:

Labcorp Genetics (formerly Invitae), Labcorp
Classification: Uncertain significance. Last evaluated: 2024-11-18. Review status: criteria provided, single submitter. Criteria: Invitae Variant Classification Sherloc (09022015). Collection method: clinical testing. Allele origin: germline.
Comment: This sequence change replaces asparagine, which is neutral and polar, with aspartic acid, which is acidic and polar, at codon 449 of the KLHL7 protein (p.Asn449Asp). This variant is present in population databases (no rsID available, gnomAD 0.003%). This variant has not been reported in the literature in individuals affected with KLHL7-related conditions. An algorithm developed to predict the effect of missense changes on protein structure and function (PolyPhen-2) suggests that this variant is likely to be disruptive. In summary, the available evidence is currently insufficient to determine the role of this variant in disease. Therefore, it has been classified as a Variant of Uncertain Significance.

NM_001031710.3(KLHL7):c.1345A>G (p.Asn449Asp)

Gene: KLHL7 (kelch like family member 7; plus strand). Cytogenetic location: 7p15.3.
Variant type: single nucleotide variant.
Coding change: c.1345A>G on transcript NM_001031710.3 (MANE Select); coding-DNA position 1345, A replaced by G.
Protein change: p.Asn449Asp; replaces asparagine 449 with aspartic acid.
Molecular consequence: missense variant. On other transcripts: non-coding transcript variant (1).
Genome position (GRCh38, 1-based): chr7:23,168,003, A>G. VCF-style: chr7-23168003-A-G. GRCh37 (hg19) VCF-style: chr7-23207622-A-G.
Other names: c.1201A>G, p.Asn401Asp (NM_018846.5); short protein forms N401D, N449D.
Identifiers: ClinVar variation 3612014 (VCV003612014.2).
Genomic context (GRCh38, chr7:23,168,003, plus strand): 5'-AATGGCCTAATCTATGTTTGTGGTGGAAGTTTAGGAAACAATGTTTCTGGGAGAGTGCTT[A>G]ATTCCTGTGAAGTTTATGATCCTGCCACAGAAACGTATGTATCTATTTAAAATTTATTTT-3'
Protein context (NP_001026880.2, residues 439-459): LGNNVSGRVL[Asn449Asp]SCEVYDPATE